The following is an entry in ClinVar:

ClinVar aggregate classification (germline): Likely benign (1 of 4 stars; one submission).

Allele frequency attached by ClinVar (database versions not stated): gnomAD exomes 0.00001.
gnomAD v4.1: 18 of 1,613,952 alleles (0.0011%); highest among the groups gnomAD compares: Non-Finnish European, 0.0014%; no homozygotes.

Submission:

CeGaT Center for Human Genetics Tuebingen
Classification: Likely benign. Last evaluated: 2022-10-01. Review status: criteria provided, single submitter. Criteria: CeGaT Center For Human Genetics Tuebingen Variant Classification Criteria Version 2. Collection method: clinical testing. Allele origin: germline. Affected: yes. Observed: 1 variant allele.
Comment: MAP3K1: BP4, BP7

NM_005921.2(MAP3K1):c.3675G>A (p.Glu1225=)

Genes: MAP3K1 (mitogen-activated protein kinase kinase kinase 1; plus strand), LOC126807392 (CDK7 strongly-dependent group 2 enhancer GRCh37_chr5:56178189-56179388; plus strand). Cytogenetic location: 5q11.2.
Variant type: single nucleotide variant.
Coding change: c.3675G>A on transcript NM_005921.2 (MANE Select); coding-DNA position 3675, G replaced by A.
Protein change: p.Glu1225=; no amino-acid change (glutamic acid 1225 retained).
Molecular consequence: synonymous variant.
Genome position (GRCh38, 1-based): chr5:56,883,535, G>A. VCF-style: chr5-56883535-G-A. GRCh37 (hg19) VCF-style: chr5-56179362-G-A.
Identifiers: ClinVar variation 2655470 (VCV002655470.24), dbSNP rs918909564, ClinGen allele CA119081389.